The following is an entry in ClinVar:

ClinVar aggregate classification (germline): Pathogenic/Likely pathogenic. Review status: criteria provided, multiple submitters, no conflicts (2 of 4 stars). 2 submissions from 2 submitters: Pathogenic (1); Likely pathogenic (1). Last evaluated 2023-11-27.

Conditions:
Primary ciliary dyskinesia. Also called: Ciliary dyskinesia. Identifiers: Orphanet 244, MedGen C0008780, MONDO:0016575, HP:0012265.
Primary ciliary dyskinesia 7. Also called: CILIARY DYSKINESIA, PRIMARY, 7, WITH OR WITHOUT SITUS INVERSUS. Identifiers: Orphanet 244, MedGen C2678473, MONDO:0012748, OMIM 611884.

Submissions (2):

Labcorp Genetics (formerly Invitae), Labcorp
Classification: Pathogenic for Primary ciliary dyskinesia. Last evaluated: 2023-11-27. Review status: criteria provided, single submitter. Criteria: Invitae Variant Classification Sherloc (09022015). Collection method: clinical testing. Allele origin: germline.
Comment: This sequence change creates a premature translational stop signal (p.Trp1749*) in the DNAH11 gene. It is expected to result in an absent or disrupted protein product. Loss-of-function variants in DNAH11 are known to be pathogenic (PMID: 18022865, 20513915, 22184204). This variant is not present in population databases (gnomAD no frequency). This variant has not been reported in the literature in individuals affected with DNAH11-related conditions. ClinVar contains an entry for this variant (Variation ID: 1339540). For these reasons, this variant has been classified as Pathogenic.

Genomics Facility, Ludwig-Maximilians-Universität München
Classification: Likely pathogenic for Primary ciliary dyskinesia 7. Last evaluated: 2021-12-28. Review status: criteria provided, single submitter. Criteria: ACMG Guidelines, 2015. Collection method: clinical testing. Allele origin: unknown. Inheritance: Autosomal recessive inheritance. Affected: yes.

Literature cited by the submitters: PubMed 18022865 (cited by Labcorp Genetics (formerly Invitae), Labcorp); PubMed 20513915 (cited by Labcorp Genetics (formerly Invitae), Labcorp); PubMed 22184204 (cited by Labcorp Genetics (formerly Invitae), Labcorp).

NM_001277115.2(DNAH11):c.5247G>A (p.Trp1749Ter)

Gene: DNAH11 (dynein axonemal heavy chain 11; plus strand). Cytogenetic location: 7p15.3.
Variant type: single nucleotide variant.
Coding change: c.5247G>A on transcript NM_001277115.2 (MANE Select); coding-DNA position 5247, G replaced by A.
Protein change: p.Trp1749Ter; replaces tryptophan 1749 with a stop codon.
Molecular consequence: nonsense.
Genome position (GRCh38, 1-based): chr7:21,658,950, G>A. VCF-style: chr7-21658950-G-A. GRCh37 (hg19) VCF-style: chr7-21698568-G-A.
Other names: short protein forms W1749*.
Identifiers: ClinVar variation 1339540 (VCV001339540.7), dbSNP rs2128465955, ClinGen allele CA366939977.